The following is an entry in ClinVar:

NM_007194.4(CHEK2):c.651A>G (p.Arg217=)

Gene: CHEK2 (checkpoint kinase 2; minus strand). Cytogenetic location: 22q12.1.
Variant type: single nucleotide variant.
Coding change: c.651A>G on transcript NM_007194.4 (MANE Select); coding-DNA position 651, A replaced by G.
Protein change: p.Arg217=; no amino-acid change (arginine 217 retained).
Molecular consequence: synonymous variant. On other transcripts: 5 prime UTR variant (2), intron variant (1).
Genome position (GRCh38, 1-based): chr22:28,719,427, T>C on the plus strand (A>G on the coding strand, the complement: CHEK2 is on the minus strand). VCF-style: chr22-28719427-T-C. GRCh37 (hg19) VCF-style: chr22-29115415-T-C.
Other names: c.780A>G, p.Arg260= (NM_001005735.3, NM_001438294.1); c.-13A>G (NM_001257387.3, NM_001437942.1); c.744A>G, p.Arg248= (NM_001438293.1, NM_001438295.1); c.651A>G, p.Arg217= (NM_145862.3); c.482+5459A>G (NM_001349956.3).
Identifiers: ClinVar variation 183911 (VCV000183911.25), dbSNP rs774245273, ClinGen allele CA186957.
Genomic context (GRCh38, chr22:28,719,427, plus strand): 5'-AGTGCATTTATATAAGAAAATAATTTACCTTCCAAGAGTTTTTGACATGATGTATTCATC[T>C]CTTAATGCCTTAGGATAAACTGACTGATCATCTACAGTCAGATCAAAAAAGACAAAAACT-3'
Protein context (NP_009125.1, residues 207-227): DDQSVYPKAL[Arg217=]DEYIMSKTLG

ClinVar aggregate classification (germline): Conflicting classifications of pathogenicity. Review status: criteria provided, conflicting classifications (1 of 4 stars). 8 submissions from 8 submitters: Uncertain significance (1); Benign (1); Likely benign (6). Last evaluated 2026-01-31.

Conditions:
Hereditary cancer-predisposing syndrome. Also called: Tumor predisposition; Neoplastic Syndromes, Hereditary; Hereditary neoplastic syndrome; Hereditary Cancer Syndrome. Identifiers: Orphanet 140162, MedGen C0027672, MeSH D009386, MONDO:0015356.
Familial cancer of breast. Also called: BREAST CANCER, FAMILIAL; hereditary breast carcinoma; Hereditary breast cancer. Identifiers: Orphanet 227535, MedGen C0346153, MONDO:0016419, OMIM 114480. Disease mechanism: loss of function.

Allele frequency attached by ClinVar (database versions not stated): ExAC 0.00003; gnomAD 0.00003; gnomAD exomes 0.00003 and 0.00005; TOPMed 0.00003.
gnomAD v4.1: 84 of 1,595,808 alleles (0.0053%); highest among the groups gnomAD compares: Non-Finnish European, 0.0062%; no homozygotes.

Submissions (8):

Labcorp Genetics (formerly Invitae), Labcorp
Classification: Likely benign for Familial cancer of breast. Last evaluated: 2026-01-31. Review status: criteria provided, single submitter. Criteria: Invitae Variant Classification Sherloc (09022015). Collection method: clinical testing. Allele origin: germline.

Quest Diagnostics Nichols Institute San Juan Capistrano
Classification: Uncertain significance. Last evaluated: 2025-08-01. Review status: criteria provided, single submitter. Criteria: Quest Diagnostics criteria. Collection method: clinical testing. Allele origin: unknown.
Comment: The CHEK2 c.651A>G (p.Arg217=) synonymous variant has not been reported in individuals with CHEK2-related conditions in the published literature. The frequency of this variant in the general population (Genome Aggregation Database) is uninformative in the assessment of its pathogenicity. Analysis of this variant using software algorithms for the prediction of the effect of nucleotide changes on splicing yielded predictions that this variant does not affect CHEK2 mRNA splicing. Based on the available information, we are unable to determine the clinical significance of this variant.

Blueprint Genetics
Classification: Likely benign. Last evaluated: 2024-10-18. Review status: criteria provided, single submitter. Criteria: ACMG Guidelines, 2015. Collection method: clinical testing. Allele origin: germline.

Myriad Genetics, Inc.
Classification: Benign for Familial cancer of breast. Last evaluated: 2024-10-03. Review status: criteria provided, single submitter. Criteria: Myriad Autosomal Dominant, Autosomal Recessive and X-Linked Classification Criteria (2023). Collection method: clinical testing. Allele origin: unknown.
Comment: This variant is considered benign. This variant is a silent/synonymous amino acid change and it is not expected to impact splicing.

GeneDx
Classification: Likely benign. Last evaluated: 2020-07-13. Review status: criteria provided, single submitter. Criteria: GeneDx Variant Classification Process June 2021. Collection method: clinical testing. Allele origin: germline. Affected: yes.
Comment: This variant is associated with the following publications: (PMID: 26787654)

Women's Health and Genetics/Laboratory Corporation of America, LabCorp
Classification: Likely benign. Last evaluated: 2019-08-28. Review status: criteria provided, single submitter. Criteria: LabCorp Variant Classification Summary - May 2015. Collection method: clinical testing. Allele origin: germline.

Color Diagnostics, LLC DBA Color Health
Classification: Likely benign for Hereditary cancer-predisposing syndrome. Last evaluated: 2016-07-12. Review status: criteria provided, single submitter. Criteria: ACMG Guidelines, 2015. Collection method: clinical testing. Allele origin: germline.

Ambry Genetics
Classification: Likely benign for Hereditary cancer-predisposing syndrome. Last evaluated: 2014-07-25. Review status: criteria provided, single submitter. Criteria: Ambry Variant Classification Scheme 2023. Collection method: clinical testing. Allele origin: germline.